The following is an entry in ClinVar:

NM_004268.5(MED17):c.121G>A (p.Ala41Thr)

Gene: MED17 (mediator complex subunit 17; plus strand). Cytogenetic location: 11q21.
Variant type: single nucleotide variant.
Coding change: c.121G>A on transcript NM_004268.5 (MANE Select); coding-DNA position 121, G replaced by A.
Protein change: p.Ala41Thr; replaces alanine 41 with threonine.
Molecular consequence: missense variant.
Genome position (GRCh38, 1-based): chr11:93,784,634, G>A. VCF-style: chr11-93784634-G-A. GRCh37 (hg19) VCF-style: chr11-93517800-G-A.
Other names: short protein forms A41T.
Identifiers: ClinVar variation 1973358 (VCV001973358.2), dbSNP rs1457386944, ClinGen allele CA382387466.
Genomic context (GRCh38, chr11:93,784,634, plus strand): 5'-GAGGTGGGCCTGGATGGCACCGAGACGTACCTGCCCCCGCTGTCCATGTCGCAGAATCTG[G>A]CGCGTCTGGCCCAGCGGATAGACTTCAGCCAGGGTTCGGGCTCCGAGGAGGAGGAGGCGG-3'
Protein context (NP_004259.3, residues 31-51): LPPLSMSQNL[Ala41Thr]RLAQRIDFSQ

ClinVar aggregate classification (germline): Uncertain significance (1 of 4 stars; one submission).

Allele frequency attached by ClinVar (database versions not stated): gnomAD exomes below 0.00001.

Submission:

Labcorp Genetics (formerly Invitae), Labcorp
Classification: Uncertain significance. Last evaluated: 2022-07-01. Review status: criteria provided, single submitter. Criteria: Invitae Variant Classification Sherloc (09022015). Collection method: clinical testing. Allele origin: germline.
Comment: This sequence change replaces alanine, which is neutral and non-polar, with threonine, which is neutral and polar, at codon 41 of the MED17 protein (p.Ala41Thr). This variant is not present in population databases (gnomAD no frequency). This variant has not been reported in the literature in individuals affected with MED17-related conditions. Algorithms developed to predict the effect of missense changes on protein structure and function are either unavailable or do not agree on the potential impact of this missense change (SIFT: "Deleterious"; PolyPhen-2: "Benign"; Align-GVGD: "Class C0"). In summary, the available evidence is currently insufficient to determine the role of this variant in disease. Therefore, it has been classified as a Variant of Uncertain Significance.